The following is an entry in ClinVar:

ClinVar aggregate classification (germline): Uncertain significance (1 of 4 stars; one submission).

Conditions:
Hereditary cancer-predisposing syndrome. Also called: Hereditary neoplastic syndrome; Neoplastic Syndromes, Hereditary; Tumor predisposition; Hereditary Cancer Syndrome. Identifiers: Orphanet 140162, MedGen C0027672, MeSH D009386, MONDO:0015356.

Submission:

Ambry Genetics
Classification: Uncertain significance for Hereditary cancer-predisposing syndrome. Last evaluated: 2025-07-17. Review status: criteria provided, single submitter. Criteria: Ambry Variant Classification Scheme 2023. Collection method: clinical testing. Allele origin: germline.
Comment: The p.D24V variant (also known as c.71A>T), located in coding exon 1 of the POLD1 gene, results from an A to T substitution at nucleotide position 71. The aspartic acid at codon 24 is replaced by valine, an amino acid with highly dissimilar properties. This amino acid position is conserved. In addition, this alteration is predicted to be tolerated by in silico analysis. Based on the available evidence, the clinical significance of this variant remains unclear.

NM_002691.4(POLD1):c.71A>T (p.Asp24Val)

Gene: POLD1 (DNA polymerase delta 1, catalytic subunit; plus strand). Cytogenetic location: 19q13.33.
Variant type: single nucleotide variant.
Coding change: c.71A>T on transcript NM_002691.4 (MANE Select); coding-DNA position 71, A replaced by T.
Protein change: p.Asp24Val; replaces aspartic acid 24 with valine.
Molecular consequence: missense variant. On other transcripts: non-coding transcript variant (1).
Genome position (GRCh38, 1-based): chr19:50,398,922, A>T. VCF-style: chr19-50398922-A-T. GRCh37 (hg19) VCF-style: chr19-50902179-A-T.
Other names: c.71A>T, p.Asp24Val (NM_001256849.1, NM_001308632.1, NM_001438210.1 and 3 more transcripts); short protein forms D24V.
Identifiers: ClinVar variation 4141004 (VCV004141004.1).